The following is an entry in ClinVar:

ClinVar aggregate classification (germline): Uncertain significance (1 of 4 stars; one submission).

Conditions:
Chédiak-Higashi syndrome (CHS). Also called: Chediak-Higashi Syndrome. Identifiers: Orphanet 167, MedGen C0007965, MONDO:0008963, OMIM 214500.

Submission:

Labcorp Genetics (formerly Invitae), Labcorp
Classification: Uncertain significance for Chédiak-Higashi syndrome. Last evaluated: 2022-11-03. Review status: criteria provided, single submitter. Criteria: Invitae Variant Classification Sherloc (09022015). Collection method: clinical testing. Allele origin: germline.
Comment: Advanced modeling of protein sequence and biophysical properties (such as structural, functional, and spatial information, amino acid conservation, physicochemical variation, residue mobility, and thermodynamic stability) performed at Invitae indicates that this missense variant is not expected to disrupt LYST protein function. This sequence change replaces leucine, which is neutral and non-polar, with phenylalanine, which is neutral and non-polar, at codon 1919 of the LYST protein (p.Leu1919Phe). This variant is not present in population databases (gnomAD no frequency). This variant has not been reported in the literature in individuals affected with LYST-related conditions. In summary, the available evidence is currently insufficient to determine the role of this variant in disease. Therefore, it has been classified as a Variant of Uncertain Significance.

NM_000081.4(LYST):c.5755C>T (p.Leu1919Phe)

Gene: LYST (lysosomal trafficking regulator; minus strand). Cytogenetic location: 1q42.3.
Variant type: single nucleotide variant.
Coding change: c.5755C>T on transcript NM_000081.4 (MANE Select); coding-DNA position 5755, C replaced by T.
Protein change: p.Leu1919Phe; replaces leucine 1919 with phenylalanine.
Molecular consequence: missense variant.
Genome position (GRCh38, 1-based): chr1:235,773,871, G>A on the plus strand (C>T on the coding strand, the complement: LYST is on the minus strand). VCF-style: chr1-235773871-G-A. GRCh37 (hg19) VCF-style: chr1-235937171-G-A.
Other names: c.5755C>T, p.Leu1919Phe (NM_001301365.1); short protein forms L1919F.
Identifiers: ClinVar variation 1713925 (VCV001713925.5), dbSNP rs2527961273, ClinGen allele CA344950370.